The following is an entry in ClinVar:

ClinVar aggregate classification (germline): Conflicting classifications of pathogenicity. Review status: criteria provided, conflicting classifications (1 of 4 stars). 3 submissions from 3 submitters: Uncertain significance (2); Benign (1). Last evaluated 2025-11-16.

Conditions:
Cardiovascular phenotype. Identifiers: MedGen CN230736.
Long QT syndrome (LQTS). Identifiers: MedGen C0023976, MeSH D008133, MONDO:0002442. Disease mechanism: loss of function. Inheritance: Various modes of inheritance.
Long QT syndrome 11 (LQT11). Identifiers: Orphanet 101016, Orphanet 768, MedGen C2678483, MONDO:0012738, OMIM 611820.

Allele frequency attached by ClinVar (database versions not stated): gnomAD exomes 0.00002 and 0.00005; ExAC 0.00012; 1000 Genomes Project 0.00020; gnomAD 0.00021 and 0.00025; TOPMed 0.00023; 1000 Genomes Project 30x 0.00031; ESP Exome Variant Server 0.00031.
gnomAD v4.1: 58 of 1,614,006 alleles (0.0036%); highest among the groups gnomAD compares: African/African-American, 0.061%; no homozygotes.

Submissions (3):

Labcorp Genetics (formerly Invitae), Labcorp
Classification: Uncertain significance for Long QT syndrome. Last evaluated: 2025-11-16. Review status: criteria provided, single submitter. Criteria: Invitae Variant Classification Sherloc (09022015). Collection method: clinical testing. Allele origin: germline.
Comment: This sequence change replaces threonine, which is neutral and polar, with asparagine, which is neutral and polar, at codon 155 of the AKAP9 protein (p.Thr155Asn). This variant is present in population databases (rs142632541, gnomAD 0.08%), and has an allele count higher than expected for a pathogenic variant. This variant has not been reported in the literature in individuals affected with AKAP9-related conditions. ClinVar contains an entry for this variant (Variation ID: 519409). An algorithm developed to predict the effect of missense changes on protein structure and function (PolyPhen-2) suggests that this variant is likely to be disruptive. In summary, the available evidence is currently insufficient to determine the role of this variant in disease. Therefore, it has been classified as a Variant of Uncertain Significance.

Ambry Genetics
Classification: Benign for Cardiovascular phenotype. Last evaluated: 2024-01-11. Review status: criteria provided, single submitter. Criteria: Ambry Variant Classification Scheme 2023. Collection method: clinical testing. Allele origin: germline.

Fulgent Genetics
Classification: Uncertain significance for Long QT syndrome 11. Last evaluated: 2021-08-11. Review status: criteria provided, single submitter. Criteria: ACMG Guidelines, 2015. Collection method: clinical testing. Allele origin: unknown.

NM_005751.5(AKAP9):c.464C>A (p.Thr155Asn)

Gene: AKAP9 (A-kinase anchoring protein 9; plus strand). Cytogenetic location: 7q21.2.
Variant type: single nucleotide variant.
Coding change: c.464C>A on transcript NM_005751.5 (MANE Select); coding-DNA position 464, C replaced by A.
Protein change: p.Thr155Asn; replaces threonine 155 with asparagine.
Molecular consequence: missense variant.
Genome position (GRCh38, 1-based): chr7:91,992,943, C>A. VCF-style: chr7-91992943-C-A. GRCh37 (hg19) VCF-style: chr7-91622257-C-A.
Other names: c.464C>A, p.Thr155Asn (NM_147185.3); short protein forms T155N.
Identifiers: ClinVar variation 519409 (VCV000519409.12), dbSNP rs142632541, ClinGen allele CA4335825.